The following is an entry in ClinVar:

ClinVar aggregate classification (germline): Uncertain significance (1 of 4 stars; one submission).

gnomAD v4.1: 11 of 1,612,648 alleles (0.00068%); highest among the groups gnomAD compares: East Asian, 0.025%; no homozygotes.

Submission:

Labcorp Genetics (formerly Invitae), Labcorp
Classification: Uncertain significance. Last evaluated: 2024-06-30. Review status: criteria provided, single submitter. Criteria: Invitae Variant Classification Sherloc (09022015). Collection method: clinical testing. Allele origin: germline.
Comment: This sequence change replaces valine, which is neutral and non-polar, with alanine, which is neutral and non-polar, at codon 307 of the PRKCSH protein (p.Val307Ala). This variant is present in population databases (rs560998521, gnomAD 0.03%). This variant has not been reported in the literature in individuals affected with PRKCSH-related conditions. Algorithms developed to predict the effect of missense changes on protein structure and function output the following: SIFT: "Not Available"; PolyPhen-2: "Benign"; Align-GVGD: "Not Available". The alanine amino acid residue is found in multiple mammalian species, which suggests that this missense change does not adversely affect protein function. In summary, the available evidence is currently insufficient to determine the role of this variant in disease. Therefore, it has been classified as a Variant of Uncertain Significance.

NM_001289104.2(PRKCSH):c.920T>C (p.Val307Ala)

Gene: PRKCSH (PRKCSH beta subunit of glucosidase II; plus strand). Cytogenetic location: 19p13.2.
Variant type: single nucleotide variant.
Coding change: c.920T>C on transcript NM_001289104.2 (MANE Select); coding-DNA position 920, T replaced by C.
Protein change: p.Val307Ala; replaces valine 307 with alanine.
Molecular consequence: missense variant.
Genome position (GRCh38, 1-based): chr19:11,447,509, T>C. VCF-style: chr19-11447509-T-C. GRCh37 (hg19) VCF-style: chr19-11558324-T-C.
Other names: c.920T>C, p.Val307Ala (NM_001001329.3, NM_001289102.2, NM_001289103.2 and 3 more transcripts); short protein forms V307A.
Identifiers: ClinVar variation 3706709 (VCV003706709.2).